The following is an entry in ClinVar:

ClinVar aggregate classification (germline): Pathogenic. Review status: criteria provided, single submitter (1 of 4 stars). 2 submissions from 2 submitters: Pathogenic (1). 1 of the submissions does not count toward it. Last evaluated 2025-03-21.

Conditions:
Neurodevelopmental disorder with progressive movement abnormalities. Identifiers: MedGen C5935606, MONDO:0968976, OMIM 620785.

Submissions (2):

GeneDx
Classification: Pathogenic. Last evaluated: 2025-03-21. Review status: criteria provided, single submitter. Criteria: GeneDx Variant Classification Process June 2021. Collection method: clinical testing. Allele origin: germline. Affected: yes.
Comment: Nonsense variant predicted to result in protein truncation or nonsense mediated decay in a gene for which loss of function is a known mechanism of disease; Not observed at significant frequency in large population cohorts (gnomAD); This variant is associated with the following publications: (PMID: 37951597)

OMIM
Classification: Pathogenic for NEURODEVELOPMENTAL DISORDER WITH PROGRESSIVE MOVEMENT ABNORMALITIES. Last evaluated: 2024-04-17. Review status: no assertion criteria provided. Collection method: literature only. Allele origin: germline. Not counted in ClinVar's aggregate classification.

Literature cited by the submitters: PubMed 37951597 (cited by OMIM).

NM_032360.4(ACBD6):c.187G>T (p.Glu63Ter)

Gene: ACBD6 (acyl-CoA binding domain containing 6; minus strand). Cytogenetic location: 1q25.3.
Variant type: single nucleotide variant.
Coding change: c.187G>T on transcript NM_032360.4 (MANE Select); coding-DNA position 187, G replaced by T.
Protein change: p.Glu63Ter; replaces glutamic acid 63 with a stop codon.
Molecular consequence: nonsense.
Genome position (GRCh38, 1-based): chr1:180,502,080, C>A on the plus strand (G>T on the coding strand, the complement: ACBD6 is on the minus strand). VCF-style: chr1-180502080-C-A. GRCh37 (hg19) VCF-style: chr1-180471215-C-A.
Other names: c.187G>T (NM_032360.3); short protein forms E63*.
Identifiers: ClinVar variation 3242366 (VCV003242366.2), dbSNP rs2525656325.